The following is an entry in ClinVar:

NM_005216.5(DDOST):c.237T>A (p.Asn79Lys)

Gene: DDOST (dolichyl-diphosphooligosaccharide--protein glycosyltransferase non-catalytic subunit; minus strand). Cytogenetic location: 1p36.12.
Variant type: single nucleotide variant.
Coding change: c.237T>A on transcript NM_005216.5 (MANE Select); coding-DNA position 237, T replaced by A.
Protein change: p.Asn79Lys; replaces asparagine 79 with lysine.
Molecular consequence: missense variant.
Genome position (GRCh38, 1-based): chr1:20,660,909, A>T on the plus strand (T>A on the coding strand, the complement: DDOST is on the minus strand). VCF-style: chr1-20660909-A-T. GRCh37 (hg19) VCF-style: chr1-20987402-A-T.
Other names: short protein forms N79K.
Identifiers: ClinVar variation 2012296 (VCV002012296.4), dbSNP rs2053426980, ClinGen allele CA338855566.
Genomic context (GRCh38, chr1:20,660,909, plus strand): 5'-TTCCAGTGCTAGGGGCGACGCGGAACCCTTACCTTCTACCGAAGGGGAGAAAATGATGAG[A>T]TTGTCATAGAGGAATTCCCCATACTTTATGAGAGACAGGCTGGGGTCATCAGCGGTCTTG-3'
Protein context (NP_005207.3, residues 69-89): LIKYGEFLYD[Asn79Lys]LIIFSPSVED

ClinVar aggregate classification (germline): Uncertain significance (1 of 4 stars; one submission).

Conditions:
Congenital disorder of glycosylation type Ir (CDG1R). Also called: DDOST-congenital disorder of glycosylation. Identifiers: Orphanet 300536, MedGen C3281084, MONDO:0013789, OMIM 614507.

Submission:

Labcorp Genetics (formerly Invitae), Labcorp
Classification: Uncertain significance for Congenital disorder of glycosylation type Ir. Last evaluated: 2024-02-05. Review status: criteria provided, single submitter. Criteria: Invitae Variant Classification Sherloc (09022015). Collection method: clinical testing. Allele origin: germline.
Comment: This sequence change replaces asparagine, which is neutral and polar, with lysine, which is basic and polar, at codon 96 of the DDOST protein (p.Asn96Lys). This variant is not present in population databases (gnomAD no frequency). This variant has not been reported in the literature in individuals affected with DDOST-related conditions. ClinVar contains an entry for this variant (Variation ID: 2012296). An algorithm developed to predict the effect of missense changes on protein structure and function (PolyPhen-2) suggests that this variant is likely to be tolerated. In summary, the available evidence is currently insufficient to determine the role of this variant in disease. Therefore, it has been classified as a Variant of Uncertain Significance.